The following is an entry in ClinVar:

ClinVar aggregate classification (germline): Uncertain significance. Review status: criteria provided, multiple submitters, no conflicts (2 of 4 stars). 2 submissions from 2 submitters: Uncertain significance (2). Last evaluated 2026-08-20.

Conditions:
Hereditary cancer-predisposing syndrome. Also called: Hereditary neoplastic syndrome; Neoplastic Syndromes, Hereditary; Tumor predisposition; Hereditary Cancer Syndrome. Identifiers: Orphanet 140162, MedGen C0027672, MeSH D009386, MONDO:0015356.
Tuberous sclerosis 1 (TSC1). Identifiers: Orphanet 805, MedGen C1854465, MONDO:0008612, OMIM 191100.

Submissions (2):

Ambry Genetics
Classification: Uncertain significance for Hereditary cancer-predisposing syndrome. Last evaluated: 2026-08-20. Review status: criteria provided, single submitter. Criteria: Ambry Variant Classification Scheme 2023. Collection method: clinical testing. Allele origin: germline.
Comment: The p.S270A variant (also known as c.808T>G), located in coding exon 7 of the TSC1 gene, results from a T to G substitution at nucleotide position 808. The serine at codon 270 is replaced by alanine, an amino acid with similar properties. This amino acid position is conserved. In addition, this alteration is predicted to be deleterious by in silico analysis. Based on the available evidence, the clinical significance of this variant remains unclear.

Labcorp Genetics (formerly Invitae), Labcorp
Classification: Uncertain significance for Tuberous sclerosis 1. Last evaluated: 2021-12-17. Review status: criteria provided, single submitter. Criteria: Invitae Variant Classification Sherloc (09022015). Collection method: clinical testing. Allele origin: germline.
Comment: This variant is not present in population databases (gnomAD no frequency). In summary, the available evidence is currently insufficient to determine the role of this variant in disease. Therefore, it has been classified as a Variant of Uncertain Significance. Algorithms developed to predict the effect of missense changes on protein structure and function are either unavailable or do not agree on the potential impact of this missense change (SIFT: "Tolerated"; PolyPhen-2: "Probably Damaging"; Align-GVGD: "Class C0"). This variant has not been reported in the literature in individuals affected with TSC1-related conditions. This sequence change replaces serine, which is neutral and polar, with alanine, which is neutral and non-polar, at codon 270 of the TSC1 protein (p.Ser270Ala).

NM_000368.5(TSC1):c.808T>G (p.Ser270Ala)

Gene: TSC1 (TSC complex subunit 1; minus strand). Cytogenetic location: 9q34.13.
Variant type: single nucleotide variant.
Coding change: c.808T>G on transcript NM_000368.5 (MANE Select); coding-DNA position 808, T replaced by G.
Protein change: p.Ser270Ala; replaces serine 270 with alanine.
Molecular consequence: missense variant.
Genome position (GRCh38, 1-based): chr9:132,912,387, A>C on the plus strand (T>G on the coding strand, the complement: TSC1 is on the minus strand). VCF-style: chr9-132912387-A-C. GRCh37 (hg19) VCF-style: chr9-135787774-A-C.
Other names: c.655T>G, p.Ser219Ala (NM_001406612.1, NM_001406613.1, NM_001162427.2 and 2 more transcripts); c.445T>G, p.Ser149Ala (NM_001406614.1, NM_001406615.1, NM_001406616.1 and 10 more transcripts); c.808T>G, p.Ser270Ala (NM_001162426.2, NM_001406592.1, NM_001406593.1 and 16 more transcripts); c.-144T>G (NM_001406626.1, NM_001406627.1, NM_001406628.1); c.-286T>G (NM_001406629.1, NM_001406630.1); short protein forms S219A, S149A, S270A.
Identifiers: ClinVar variation 2045210 (VCV002045210.5), dbSNP rs2538893642, ClinGen allele CA375369444.